The following is an entry in ClinVar:

NM_001039591.3(USP9X):c.317A>G (p.Lys106Arg)

Gene: USP9X (ubiquitin specific peptidase 9 X-linked; plus strand). Cytogenetic location: Xp11.4.
Variant type: single nucleotide variant.
Coding change: c.317A>G on transcript NM_001039591.3 (MANE Select); coding-DNA position 317, A replaced by G.
Protein change: p.Lys106Arg; replaces lysine 106 with arginine.
Molecular consequence: missense variant.
Genome position (GRCh38, 1-based): chrX:41,131,531, A>G. VCF-style: chrX-41131531-A-G. GRCh37 (hg19) VCF-style: chrX-40990784-A-G.
Other names: c.317A>G, p.Lys106Arg (NM_001039590.3, NM_001410748.1, NM_001410749.1 and 1 more transcripts); short protein forms K106R.
Identifiers: ClinVar variation 4979820 (VCV004979820.1).

ClinVar aggregate classification (germline): Uncertain significance (1 of 4 stars; one submission).

Conditions:
USP9X-related disorder. Also called: USP9X-related condition.

gnomAD v4.1: 1 of 1,203,872 alleles (0.000083%); highest among the groups gnomAD compares: Non-Finnish European, 0.00011%; no homozygotes.

Submission:

PreventionGenetics, part of Exact Sciences
Classification: Uncertain significance for USP9X-related condition. Last evaluated: 2026-05-14. Review status: criteria provided, single submitter. Criteria: ACMG Guidelines, 2015. Collection method: clinical testing. Allele origin: germline.
Comment: The USP9X c.317A>G variant is predicted to result in the amino acid substitution p.Lys106Arg. To our knowledge, this variant has not been reported in the literature or in a large population database (gnomAD), indicating this variant is rare. At this time, the clinical significance of this variant is uncertain due to the absence of conclusive functional and genetic evidence.